The following is an entry in ClinVar:

ClinVar aggregate classification (germline): Pathogenic (1 of 4 stars; one submission).

Allele frequency attached by ClinVar (database versions not stated): gnomAD exomes below 0.00001; ExAC 0.00001.

Submission:

Labcorp Genetics (formerly Invitae), Labcorp
Classification: Pathogenic. Last evaluated: 2022-10-04. Review status: criteria provided, single submitter. Criteria: Invitae Variant Classification Sherloc (09022015). Collection method: clinical testing. Allele origin: germline.
Comment: For these reasons, this variant has been classified as Pathogenic. This variant disrupts a region of the CNGA3 protein in which other variant(s) (p.Arg499*) have been determined to be pathogenic (PMID: 24269407, 24903488, 28159970). This suggests that this is a clinically significant region of the protein, and that variants that disrupt it are likely to be disease-causing. ClinVar contains an entry for this variant (Variation ID: 968788). This variant has not been reported in the literature in individuals affected with CNGA3-related conditions. This variant is present in population databases (rs753540191, gnomAD 0.003%). This sequence change creates a premature translational stop signal (p.Val336Alafs*26) in the CNGA3 gene. While this is not anticipated to result in nonsense mediated decay, it is expected to disrupt the last 359 amino acid(s) of the CNGA3 protein.

Literature cited by the submitters: PubMed 24269407; PubMed 24903488; PubMed 28159970.

NM_001298.3(CNGA3):c.1007del (p.Val336fs)

Gene: CNGA3 (cyclic nucleotide gated channel subunit alpha 3; plus strand). Cytogenetic location: 2q11.2.
Variant type: Deletion.
Coding change: c.1007del on transcript NM_001298.3 (MANE Select); coding-DNA position 1007, one base deleted (T; older notation c.1007delT).
Protein change: p.Val336fs; shifts the reading frame from valine 336.
Molecular consequence: frameshift variant.
Genome position (GRCh38, 1-based): chr2:98,396,177, T deleted. VCF-style (leftmost placement, unchanged base first): chr2-98396176-GT-G. GRCh37 (hg19) VCF-style: chr2-99012639-GT-G.
Other names: c.953del, p.Val318fs (NM_001079878.2); short protein forms V318fs, V336fs.
Identifiers: ClinVar variation 968788 (VCV000968788.9), dbSNP rs753540191, ClinGen allele CA1793933.